The following is an entry in ClinVar:

ClinVar aggregate classification (germline): Uncertain significance. Review status: criteria provided, multiple submitters, no conflicts (2 of 4 stars). 2 submissions from 2 submitters: Uncertain significance (2). Last evaluated 2024-11-27.

Conditions:
Familial adenomatous polyposis 1 (FAP1). Also called: FAMILIAL ADENOMATOUS POLYPOSIS 1, ATTENUATED; POLYPOSIS, ADENOMATOUS INTESTINAL. Identifiers: MedGen C2713442, MONDO:0021056, OMIM 175100. Disease mechanism: loss of function.
Hereditary cancer-predisposing syndrome. Also called: Hereditary neoplastic syndrome; Tumor predisposition; Hereditary Cancer Syndrome; Neoplastic Syndromes, Hereditary. Identifiers: Orphanet 140162, MedGen C0027672, MeSH D009386, MONDO:0015356.

Allele frequency attached by ClinVar (database versions not stated): gnomAD exomes below 0.00001.
gnomAD v4.1: 2 of 1,614,168 alleles (0.00012%); highest among the groups gnomAD compares: East Asian, 0.0022%; no homozygotes.

Submissions (2):

Labcorp Genetics (formerly Invitae), Labcorp
Classification: Uncertain significance for Familial adenomatous polyposis 1. Last evaluated: 2024-11-27. Review status: criteria provided, single submitter. Criteria: Invitae Variant Classification Sherloc (09022015). Collection method: clinical testing. Allele origin: germline.
Comment: This sequence change replaces lysine, which is basic and polar, with arginine, which is basic and polar, at codon 1053 of the APC protein (p.Lys1053Arg). This variant is not present in population databases (gnomAD no frequency). This variant has not been reported in the literature in individuals affected with APC-related conditions. ClinVar contains an entry for this variant (Variation ID: 2586991). Invitae Evidence Modeling of protein sequence and biophysical properties (such as structural, functional, and spatial information, amino acid conservation, physicochemical variation, residue mobility, and thermodynamic stability) indicates that this missense variant is not expected to disrupt APC protein function with a negative predictive value of 95%. In summary, the available evidence is currently insufficient to determine the role of this variant in disease. Therefore, it has been classified as a Variant of Uncertain Significance.

Ambry Genetics
Classification: Uncertain significance for Hereditary cancer-predisposing syndrome. Last evaluated: 2023-06-24. Review status: criteria provided, single submitter. Criteria: Ambry Variant Classification Scheme 2023. Collection method: clinical testing. Allele origin: germline.
Comment: The p.K1053R variant (also known as c.3158A>G), located in coding exon 15 of the APC gene, results from an A to G substitution at nucleotide position 3158. The lysine at codon 1053 is replaced by arginine, an amino acid with highly similar properties. This amino acid position is conserved. In addition, in silico predictors for this gene do not accurately predict pathogenicity. Since supporting evidence is limited at this time, the clinical significance of this alteration remains unclear.

NM_000038.6(APC):c.3158A>G (p.Lys1053Arg)

Gene: APC (APC regulator of Wnt signaling pathway; plus strand). Cytogenetic location: 5q22.2.
Variant type: single nucleotide variant.
Coding change: c.3158A>G on transcript NM_000038.6 (MANE Select); coding-DNA position 3158, A replaced by G.
Protein change: p.Lys1053Arg; replaces lysine 1053 with arginine.
Molecular consequence: missense variant. On other transcripts: non-coding transcript variant (2).
Genome position (GRCh38, 1-based): chr5:112,838,752, A>G. VCF-style: chr5-112838752-A-G. GRCh37 (hg19) VCF-style: chr5-112174449-A-G.
Other names: c.3158A>G, p.Lys1053Arg (NM_001127510.3, NM_001354895.2, NM_001407450.1); c.3104A>G, p.Lys1035Arg (NM_001127511.3); c.3212A>G, p.Lys1071Arg (NM_001354896.2, NM_001407447.1, NM_001407448.1 and 1 more transcripts); c.3188A>G, p.Lys1063Arg (NM_001354897.2); c.3083A>G, p.Lys1028Arg (NM_001354898.2); c.3074A>G, p.Lys1025Arg (NM_001354899.2); c.3035A>G, p.Lys1012Arg (NM_001354900.2); c.2981A>G, p.Lys994Arg (NM_001354901.2, NM_001407453.1); and 11 more; short protein forms K1028R, K1043R, K669R, K994R, K1025R, K1053R, K1063R, K1081R.
Identifiers: ClinVar variation 2586991 (VCV002586991.5), dbSNP rs2149885638, ClinGen allele CA16028253.